The following is an entry in ClinVar:

NM_007118.4(TRIO):c.4721C>T (p.Ser1574Phe)

Gene: TRIO (trio Rho guanine nucleotide exchange factor; plus strand). Cytogenetic location: 5p15.2.
Variant type: single nucleotide variant.
Coding change: c.4721C>T on transcript NM_007118.4 (MANE Select); coding-DNA position 4721, C replaced by T.
Protein change: p.Ser1574Phe; replaces serine 1574 with phenylalanine.
Molecular consequence: missense variant. On other transcripts: non-coding transcript variant (1).
Genome position (GRCh38, 1-based): chr5:14,405,852, C>T. VCF-style: chr5-14405852-C-T. GRCh37 (hg19) VCF-style: chr5-14405961-C-T.
Other names: short protein forms S1574F.
Identifiers: ClinVar variation 1309968 (VCV001309968.5), dbSNP rs1748661363, ClinGen allele CA359197070.

ClinVar aggregate classification (germline): Uncertain significance. Review status: criteria provided, multiple submitters, no conflicts (2 of 4 stars). 2 submissions from 2 submitters: Uncertain significance (2). Last evaluated 2025-04-02.

Conditions:
Inborn genetic diseases. Identifiers: MedGen C0950123, MeSH D030342.

Allele frequency attached by ClinVar (database versions not stated): TOPMed 0.00001.

Submissions (2):

Ambry Genetics
Classification: Uncertain significance for Inborn genetic diseases. Last evaluated: 2025-04-02. Review status: criteria provided, single submitter. Criteria: Ambry Variant Classification Scheme 2023. Collection method: clinical testing. Allele origin: germline.

GeneDx
Classification: Uncertain significance. Last evaluated: 2025-03-27. Review status: criteria provided, single submitter. Criteria: GeneDx Variant Classification Process June 2021. Collection method: clinical testing. Allele origin: germline. Affected: yes.
Comment: Not observed at significant frequency in large population cohorts (gnomAD); In silico analysis supports that this missense variant has a deleterious effect on protein structure/function; Has not been previously published as pathogenic or benign to our knowledge